The following is an entry in ClinVar:

NM_006031.6(PCNT):c.6913A>T (p.Thr2305Ser)

Gene: PCNT (pericentrin; plus strand). Cytogenetic location: 21q22.3.
Variant type: single nucleotide variant.
Coding change: c.6913A>T on transcript NM_006031.6 (MANE Select); coding-DNA position 6913, A replaced by T.
Protein change: p.Thr2305Ser; replaces threonine 2305 with serine.
Molecular consequence: missense variant.
Genome position (GRCh38, 1-based): chr21:46,416,831, A>T. VCF-style: chr21-46416831-A-T. GRCh37 (hg19) VCF-style: chr21-47836745-A-T.
Other names: c.6559A>T, p.Thr2187Ser (NM_001315529.2); short protein forms T2305S, T2187S.
Identifiers: ClinVar variation 3305199 (VCV003305199.2).

ClinVar aggregate classification (germline): Uncertain significance. Review status: criteria provided, single submitter (1 of 4 stars). 2 submissions from 2 submitters: Uncertain significance (1). 1 of the submissions does not count toward it. Last evaluated 2024-05-26.

Conditions:
Inborn genetic diseases. Identifiers: MedGen C0950123, MeSH D030342.
PCNT-related disorder. Also called: PCNT-related condition.

gnomAD v4.1: 8 of 1,597,696 alleles (0.0005%); highest among the groups gnomAD compares: Admixed American, 0.005%; no homozygotes.

Submissions (2):

Ambry Genetics
Classification: Uncertain significance for Inborn genetic diseases. Last evaluated: 2024-05-26. Review status: criteria provided, single submitter. Criteria: Ambry Variant Classification Scheme 2023. Collection method: clinical testing. Allele origin: germline.

PreventionGenetics, part of Exact Sciences
Classification: Uncertain significance for PCNT-related condition. Last evaluated: 2024-06-28. Review status: no assertion criteria provided. Collection method: clinical testing. Allele origin: germline. Not counted in ClinVar's aggregate classification.
Comment: The PCNT c.6913A>T variant is predicted to result in the amino acid substitution p.Thr2305Ser. To our knowledge, this variant has not been reported in the literature or in a large population database, indicating this variant is rare. At this time, the clinical significance of this variant is uncertain due to the absence of conclusive functional and genetic evidence.